The following is an entry in ClinVar:

ClinVar aggregate classification (germline): Uncertain significance. Review status: criteria provided, multiple submitters, no conflicts (2 of 4 stars). 2 submissions from 2 submitters: Uncertain significance (2). Last evaluated 2025-03-07.

Conditions:
Leigh syndrome (NULS). Also called: Subacute necrotizing encephalopathy; Necrotizing encephalopathy infantile subacute of Leigh; Leigh's necrotizing encephalopathy; Leigh's disease; Leigh Syndrome (mtDNA deletion); Leigh's syndrome. Identifiers: Orphanet 506, MedGen C2931891, MONDO:0009723, OMIM 256000.

Submissions (2):

Mayo Clinic Laboratories, Mayo Clinic
Classification: Uncertain significance. Last evaluated: 2025-03-07. Review status: criteria provided, single submitter. Criteria: ACMG Guidelines, 2015. Collection method: clinical testing. Allele origin: germline. Observed: 1 variant allele.
Comment: PM2_supporting

Labcorp Genetics (formerly Invitae), Labcorp
Classification: Uncertain significance for Leigh syndrome. Last evaluated: 2023-12-11. Review status: criteria provided, single submitter. Criteria: Invitae Variant Classification Sherloc (09022015). Collection method: clinical testing. Allele origin: germline.
Comment: This sequence change replaces glutamic acid, which is acidic and polar, with glutamine, which is neutral and polar, at codon 219 of the SURF1 protein (p.Glu219Gln). This variant is not present in population databases (gnomAD no frequency). This variant has not been reported in the literature in individuals affected with SURF1-related conditions. ClinVar contains an entry for this variant (Variation ID: 2131269). Advanced modeling of protein sequence and biophysical properties (such as structural, functional, and spatial information, amino acid conservation, physicochemical variation, residue mobility, and thermodynamic stability) performed at Invitae indicates that this missense variant is not expected to disrupt SURF1 protein function with a negative predictive value of 80%. Algorithms developed to predict the effect of sequence changes on RNA splicing suggest that this variant may create or strengthen a splice site. In summary, the available evidence is currently insufficient to determine the role of this variant in disease. Therefore, it has been classified as a Variant of Uncertain Significance.

NM_003172.4(SURF1):c.655G>C (p.Glu219Gln)

Gene: SURF1 (SURF1 cytochrome c oxidase assembly factor; minus strand). Cytogenetic location: 9q34.2.
Variant type: single nucleotide variant.
Coding change: c.655G>C on transcript NM_003172.4 (MANE Select); coding-DNA position 655, G replaced by C.
Protein change: p.Glu219Gln; replaces glutamic acid 219 with glutamine.
Molecular consequence: missense variant.
Genome position (GRCh38, 1-based): chr9:133,352,542, C>G on the plus strand (G>C on the coding strand, the complement: SURF1 is on the minus strand). VCF-style: chr9-133352542-C-G. GRCh37 (hg19) VCF-style: chr9-136219397-C-G.
Other names: p.Glu219Gln; c.328G>C, p.Glu110Gln (NM_001280787.1); short protein forms E219Q, E110Q.
Identifiers: ClinVar variation 2131269 (VCV002131269.3), dbSNP rs1836454080, ClinGen allele CA375693806.